The following is an entry in ClinVar:

NC_000007.13:g.(?_23191666)_(23191848_?)del

Gene: KLHL7 (kelch like family member 7; plus strand). Cytogenetic location: 7p15.3.
Variant type: Deletion.
Identifiers: ClinVar variation 3245858 (VCV003245858.1).

ClinVar aggregate classification (germline): Pathogenic (1 of 4 stars; one submission).

Submission:

Labcorp Genetics (formerly Invitae), Labcorp
Classification: Pathogenic. Last evaluated: 2022-08-27. Review status: criteria provided, single submitter. Criteria: Invitae Variant Classification Sherloc (09022015). Collection method: clinical testing. Allele origin: unknown.
Comment: For these reasons, this variant has been classified as Pathogenic. This variant has not been reported in the literature in individuals affected with KLHL7-related conditions. This variant is a gross deletion of the genomic region encompassing exon(s) 7 of the KLHL7 gene. This deletion is out-of-frame, and is expected to create a premature termination codon and result in an absent or disrupted protein product. Loss-of-function variants in KLHL7 are known to be pathogenic (PMID: 27392078, 29074562, 30426380, 31953236).

Literature cited by the submitters: PubMed 27392078; PubMed 29074562; PubMed 30426380; PubMed 31953236.